The following is an entry in ClinVar:

NM_001845.6(COL4A1):c.1381+5G>T

Genes: COL4A1 (collagen type IV alpha 1 chain; minus strand), LOC126861856 (BRD4-independent group 4 enhancer GRCh37_chr13:110846747-110847946; plus strand). Cytogenetic location: 13q34.
Variant type: single nucleotide variant.
Coding change: c.1381+5G>T on transcript NM_001845.6 (MANE Select); 5 bases into the intron after coding-DNA position 1381, G replaced by T.
Molecular consequence: intron variant.
Genome position (GRCh38, 1-based): chr13:110,195,018, C>A on the plus strand (G>T on the coding strand, the complement: COL4A1 is on the minus strand). VCF-style: chr13-110195018-C-A. GRCh37 (hg19) VCF-style: chr13-110847365-C-A.
Other names: c.1381+5G>T (NM_001303110.2).
Identifiers: ClinVar variation 3686226 (VCV003686226.2).
Genomic context (GRCh38, chr13:110,195,018, plus strand): 5'-AGTATGTGGGAAAAAATCATACGCAAAGACACAACCACCATTTTAAAAAAATCAAAATTT[C>A]TTACCTTTCTCTCCAATTTCGCCTATAAATCCTGGCTGCCCTGGAATTCCAGGAGGACCC-3'

ClinVar aggregate classification (germline): Uncertain significance (1 of 4 stars; one submission).

Submission:

Labcorp Genetics (formerly Invitae), Labcorp
Classification: Uncertain significance. Last evaluated: 2024-09-26. Review status: criteria provided, single submitter. Criteria: Invitae Variant Classification Sherloc (09022015). Collection method: clinical testing. Allele origin: germline.
Comment: This sequence change falls in intron 22 of the COL4A1 gene. It does not directly change the encoded amino acid sequence of the COL4A1 protein. It affects a nucleotide within the consensus splice site. This variant is not present in population databases (gnomAD no frequency). This variant has not been reported in the literature in individuals affected with COL4A1-related conditions. Variants that disrupt the consensus splice site are a relatively common cause of aberrant splicing (PMID: 17576681, 9536098). Algorithms developed to predict the effect of sequence changes on RNA splicing suggest that this variant is not likely to affect RNA splicing. In summary, the available evidence is currently insufficient to determine the role of this variant in disease. Therefore, it has been classified as a Variant of Uncertain Significance.

Literature cited by the submitters: PubMed 17576681; PubMed 9536098.